The following is an entry in ClinVar:

ClinVar aggregate classification (germline): Uncertain significance. Review status: criteria provided, multiple submitters, no conflicts (2 of 4 stars). 2 submissions from 2 submitters: Uncertain significance (2). Last evaluated 2025-07-09.

Allele frequency attached by ClinVar (database versions not stated): ExAC 0.00001; gnomAD exomes 0.00001; gnomAD 0.00002; TOPMed 0.00005.
gnomAD v4.1: 28 of 1,612,924 alleles (0.0017%); highest among the groups gnomAD compares: Admixed American, 0.0083%; no homozygotes.

Submissions (2):

Labcorp Genetics (formerly Invitae), Labcorp
Classification: Uncertain significance. Last evaluated: 2025-07-09. Review status: criteria provided, single submitter. Criteria: Invitae Variant Classification Sherloc (09022015). Collection method: clinical testing. Allele origin: germline.
Comment: This sequence change replaces alanine, which is neutral and non-polar, with aspartic acid, which is acidic and polar, at codon 1326 of the HMCN1 protein (p.Ala1326Asp). This variant is present in population databases (rs754578436, gnomAD 0.002%). This variant has not been reported in the literature in individuals affected with HMCN1-related conditions. ClinVar contains an entry for this variant (Variation ID: 2077238). An algorithm developed to predict the effect of missense changes on protein structure and function (PolyPhen-2) suggests that this variant is likely to be disruptive. In summary, the available evidence is currently insufficient to determine the role of this variant in disease. Therefore, it has been classified as a Variant of Uncertain Significance.

Ambry Genetics
Classification: Uncertain significance. Last evaluated: 2024-03-04. Review status: criteria provided, single submitter. Criteria: Ambry Variant Classification Scheme 2023. Collection method: clinical testing. Allele origin: germline.

NM_031935.3(HMCN1):c.3977C>A (p.Ala1326Asp)

Gene: HMCN1 (hemicentin 1; plus strand). Cytogenetic location: 1q31.1.
Variant type: single nucleotide variant.
Coding change: c.3977C>A on transcript NM_031935.3 (MANE Select); coding-DNA position 3977, C replaced by A.
Protein change: p.Ala1326Asp; replaces alanine 1326 with aspartic acid.
Molecular consequence: missense variant.
Genome position (GRCh38, 1-based): chr1:186,000,147, C>A. VCF-style: chr1-186000147-C-A. GRCh37 (hg19) VCF-style: chr1-185969279-C-A.
Other names: c.3977C>A (NM_031935.2); short protein forms A1326D.
Identifiers: ClinVar variation 2077238 (VCV002077238.5), dbSNP rs754578436, ClinGen allele CA1291867.
Genomic context (GRCh38, chr1:186,000,147, plus strand): 5'-AGTTGACAGGCAGAGAGCCTGGCATTTCTATCTTGGAAGATGGCACATTGCTGGTTATTG[C>A]TTCTGTTACACCCTATGACAATGGGGAGTACATCTGTGTGGCAGTCAATGAAGCTGGAAC-3'
Protein context (NP_114141.2, residues 1316-1336): ILEDGTLLVI[Ala1326Asp]SVTPYDNGEY